The following is an entry in ClinVar:

NM_006859.4(LIAS):c.4T>C (p.Ser2Pro)

Genes: LIAS (lipoic acid synthetase; plus strand), LOC112939935 (Sharpr-MPRA regulatory region 11886; plus strand). Cytogenetic location: 4p14.
Variant type: single nucleotide variant.
Coding change: c.4T>C on transcript NM_006859.4 (MANE Select); coding-DNA position 4, T replaced by C.
Protein change: p.Ser2Pro; replaces serine 2 with proline.
Molecular consequence: missense variant.
Genome position (GRCh38, 1-based): chr4:39,459,121, T>C. VCF-style: chr4-39459121-T-C. GRCh37 (hg19) VCF-style: chr4-39460741-T-C.
Other names: c.4T>C, p.Ser2Pro (NM_001278590.2, NM_001278591.2, NM_001278592.2 and 2 more transcripts); short protein forms S2P.
Identifiers: ClinVar variation 2120654 (VCV002120654.4), dbSNP rs2474985615, ClinGen allele CA356663458.

ClinVar aggregate classification (germline): Uncertain significance (1 of 4 stars; one submission).

Conditions:
Lipoic acid synthetase deficiency. Also called: HYPERGLYCINEMIA, LACTIC ACIDOSIS, AND SEIZURES. Identifiers: Orphanet 401859, MedGen C3280887, MONDO:0013762, OMIM 614462.

Submission:

Labcorp Genetics (formerly Invitae), Labcorp
Classification: Uncertain significance for Lipoic acid synthetase deficiency. Last evaluated: 2022-06-22. Review status: criteria provided, single submitter. Criteria: Invitae Variant Classification Sherloc (09022015). Collection method: clinical testing. Allele origin: germline.
Comment: This sequence change replaces serine, which is neutral and polar, with proline, which is neutral and non-polar, at codon 2 of the LIAS protein (p.Ser2Pro). This variant is not present in population databases (gnomAD no frequency). This variant has not been reported in the literature in individuals affected with LIAS-related conditions. Algorithms developed to predict the effect of missense changes on protein structure and function (SIFT, PolyPhen-2, Align-GVGD) all suggest that this variant is likely to be tolerated. In summary, the available evidence is currently insufficient to determine the role of this variant in disease. Therefore, it has been classified as a Variant of Uncertain Significance.